The following is an entry in ClinVar:

NM_176869.3(PPA2):c.80G>A (p.Gly27Glu)

Gene: PPA2 (inorganic pyrophosphatase 2; minus strand). Cytogenetic location: 4q24.
Variant type: single nucleotide variant.
Coding change: c.80G>A on transcript NM_176869.3 (MANE Select); coding-DNA position 80, G replaced by A.
Protein change: p.Gly27Glu; replaces glycine 27 with glutamic acid.
Molecular consequence: missense variant.
Genome position (GRCh38, 1-based): chr4:105,473,971, C>T on the plus strand (G>A on the coding strand, the complement: PPA2 is on the minus strand). VCF-style: chr4-105473971-C-T. GRCh37 (hg19) VCF-style: chr4-106395128-C-T.
Other names: c.80G>A, p.Gly27Glu (NM_006903.4, NM_176866.2, NM_176867.3); c.80G>A (NM_176869.2); short protein forms G27E.
Identifiers: ClinVar variation 1513616 (VCV001513616.5), dbSNP rs756694112, ClinGen allele CA3032853.

ClinVar aggregate classification (germline): Uncertain significance. Review status: criteria provided, multiple submitters, no conflicts (2 of 4 stars). 2 submissions from 2 submitters: Uncertain significance (2). Last evaluated 2024-11-23.

Conditions:
Inborn genetic diseases. Identifiers: MedGen C0950123, MeSH D030342.

Allele frequency attached by ClinVar (database versions not stated): gnomAD exomes below 0.00001; TOPMed below 0.00001; ExAC 0.00001; gnomAD 0.00002 and 0.00003.

Submissions (2):

Labcorp Genetics (formerly Invitae), Labcorp
Classification: Uncertain significance. Last evaluated: 2024-11-23. Review status: criteria provided, single submitter. Criteria: Invitae Variant Classification Sherloc (09022015). Collection method: clinical testing. Allele origin: germline.
Comment: This sequence change replaces glycine, which is neutral and non-polar, with glutamic acid, which is acidic and polar, at codon 27 of the PPA2 protein (p.Gly27Glu). The frequency data for this variant in the population databases is considered unreliable, as metrics indicate poor data quality at this position in the gnomAD database. This variant has not been reported in the literature in individuals affected with PPA2-related conditions. ClinVar contains an entry for this variant (Variation ID: 1513616). Invitae Evidence Modeling of protein sequence and biophysical properties (such as structural, functional, and spatial information, amino acid conservation, physicochemical variation, residue mobility, and thermodynamic stability) indicates that this missense variant is not expected to disrupt PPA2 protein function with a negative predictive value of 95%. In summary, the available evidence is currently insufficient to determine the role of this variant in disease. Therefore, it has been classified as a Variant of Uncertain Significance.

Ambry Genetics
Classification: Uncertain significance for Inborn genetic diseases. Last evaluated: 2021-09-01. Review status: criteria provided, single submitter. Criteria: Ambry Variant Classification Scheme 2023. Collection method: clinical testing. Allele origin: germline.